The following is an entry in ClinVar:

ClinVar aggregate classification (germline): Likely pathogenic (1 of 4 stars; one submission).

Submission:

Labcorp Genetics (formerly Invitae), Labcorp
Classification: Likely pathogenic. Last evaluated: 2023-08-19. Review status: criteria provided, single submitter. Criteria: Invitae Variant Classification Sherloc (09022015). Collection method: clinical testing. Allele origin: germline.
Comment: This variant results in a copy number gain of the genomic region encompassing exon(s) 36-45 of the DNAH9 gene. While the exact position of this variant cannot be determined from the data, sub-genic copy number gains are generally in tandem (PMID: 25640679). This variant is predicted to be out-of-frame, and may result in an absent or disrupted protein product. Loss-of-function variants in DNAH9 are known to be pathogenic (PMID: 30471718). This variant has not been reported in the literature in individuals affected with DNAH9-related conditions. In summary, the currently available evidence indicates that the variant is pathogenic, but additional data are needed to prove that conclusively. Therefore, this variant has been classified as Likely Pathogenic.

Literature cited by the submitters: PubMed 25640679; PubMed 30471718.

NC_000017.10:g.(?_11666737)_(11713706_?)dup

Gene: DNAH9 (dynein axonemal heavy chain 9; plus strand). Cytogenetic location: 17p12.
Variant type: Duplication.
Identifiers: ClinVar variation 2424151 (VCV002424151.4).